The following is an entry in ClinVar:

ClinVar aggregate classification (germline): Conflicting classifications of pathogenicity. Review status: criteria provided, conflicting classifications (1 of 4 stars). 2 submissions from 2 submitters: Uncertain significance (1); Likely benign (1). Last evaluated 2024-03-26.

Conditions:
Leigh syndrome (NULS). Also called: Leigh's necrotizing encephalopathy; Leigh's disease; Leigh Disease; Leigh's syndrome; Subacute necrotizing encephalopathy; Necrotizing encephalopathy infantile subacute of Leigh. Identifiers: Orphanet 506, MedGen C2931891, MONDO:0009723, OMIM 256000.

Allele frequency attached by ClinVar (database versions not stated): gnomAD 0.00001.

Submissions (2):

GeneDx
Classification: Uncertain significance. Last evaluated: 2024-03-26. Review status: criteria provided, single submitter. Criteria: GeneDx Variant Classification Process June 2021. Collection method: clinical testing. Allele origin: germline. Affected: yes.
Comment: Has not been previously published as pathogenic or benign to our knowledge; Not observed at significant frequency in large population cohorts (gnomAD); In silico analysis supports that this variant does not alter splicing

Labcorp Genetics (formerly Invitae), Labcorp
Classification: Likely benign for Leigh syndrome. Last evaluated: 2023-04-19. Review status: criteria provided, single submitter. Criteria: Invitae Variant Classification Sherloc (09022015). Collection method: clinical testing. Allele origin: germline.

NM_003172.4(SURF1):c.42G>A (p.Ala14=)

Gene: SURF1 (SURF1 cytochrome c oxidase assembly factor; minus strand). Cytogenetic location: 9q34.2.
Variant type: single nucleotide variant.
Coding change: c.42G>A on transcript NM_003172.4 (MANE Select); coding-DNA position 42, G replaced by A.
Protein change: p.Ala14=; no amino-acid change (alanine 14 retained).
Molecular consequence: synonymous variant. On other transcripts: 5 prime UTR variant (1).
Genome position (GRCh38, 1-based): chr9:133,356,412, C>T on the plus strand (G>A on the coding strand, the complement: SURF1 is on the minus strand). VCF-style: chr9-133356412-C-T. GRCh37 (hg19) VCF-style: chr9-136223288-C-T.
Other names: c.42G>A (NM_003172.2); c.-234G>A (NM_001280787.1).
Identifiers: ClinVar variation 2857600 (VCV002857600.4), dbSNP rs1456292063, ClinGen allele CA860712583.